The following is an entry in ClinVar:

NM_001382347.1(MYO5A):c.2573G>T (p.Arg858Leu)

Gene: MYO5A (myosin VA; minus strand). Cytogenetic location: 15q21.2.
Variant type: single nucleotide variant.
Coding change: c.2573G>T on transcript NM_001382347.1 (MANE Select); coding-DNA position 2573, G replaced by T.
Protein change: p.Arg858Leu; replaces arginine 858 with leucine.
Molecular consequence: missense variant.
Genome position (GRCh38, 1-based): chr15:52,375,308, C>A on the plus strand (G>T on the coding strand, the complement: MYO5A is on the minus strand). VCF-style: chr15-52375308-C-A. GRCh37 (hg19) VCF-style: chr15-52667505-C-A.
Other names: c.2573G>T, p.Arg858Leu (NM_000259.3, NM_001142495.2); c.2645G>T, p.Arg882Leu (NM_001382348.1, NM_001382349.1); short protein forms R858L, R882L.
Identifiers: ClinVar variation 100805 (VCV000100805.2), dbSNP rs483352686, ClinGen allele CA228990.
Genomic context (GRCh38, chr15:52,375,308, plus strand): 5'-TGAAATTTGGTTAATGCTAATAGAATGAATAAACAAAGTTGAAAATAATGCCTCACCTTG[C>A]GATACCTATTTCTGGCCAAGAAGCCTCGCAAGTAAGACTGAAGAACGATAGTGGCAGCTC-3'
Protein context (NP_001369276.1, residues 848-868): LRGFLARNRY[Arg858Leu]KILREHKAVI

ClinVar aggregate classification (germline): Uncertain significance. Review status: no assertion criteria provided (0 of 4 stars). 2 submissions from 1 submitter: Uncertain significance (1). 1 of the submissions does not count toward it.

gnomAD v4.1: 1 of 1,614,010 alleles (0.000062%); highest among the groups gnomAD compares: South Asian, 0.0011%; no homozygotes.

Submissions (2):

Richard Lifton Laboratory, Yale University School of Medicine
Classification: Uncertain significance. Review status: no assertion criteria provided. Collection method: not provided. Allele origin: somatic.
Comment: MYO5A:p.R858L
ClinVar note: Converted during submission from unknown to Uncertain significance.

Richard Lifton Laboratory, Yale University School of Medicine
Classification: Uncertain significance. Review status: flagged submission. Collection method: not provided. Allele origin: somatic. Not counted in ClinVar's aggregate classification.
ClinVar note: Converted during submission from unknown to Uncertain significance.
ClinVar note: Reason: This record appears to be redundant with a more recent record from the same submitter.
ClinVar note: Notes: SCV000120025 appears to be redundant with SCV000155128.